The following is an entry in ClinVar:

NM_201384.3(PLEC):c.9080C>T (p.Ala3027Val)

Gene: PLEC (plectin; minus strand). Cytogenetic location: 8q24.3.
Variant type: single nucleotide variant.
Coding change: c.9080C>T on transcript NM_201384.3 (MANE Select); coding-DNA position 9080, C replaced by T.
Protein change: p.Ala3027Val; replaces alanine 3027 with valine.
Molecular consequence: missense variant.
Genome position (GRCh38, 1-based): chr8:143,920,741, G>A on the plus strand (C>T on the coding strand, the complement: PLEC is on the minus strand). VCF-style: chr8-143920741-G-A. GRCh37 (hg19) VCF-style: chr8-144994909-G-A.
Other names: c.9161C>T, p.Ala3054Val (NM_000445.5); c.9038C>T, p.Ala3013Val (NM_201378.4); c.9014C>T, p.Ala3005Val (NM_201379.3); c.9491C>T, p.Ala3164Val (NM_201380.4); c.8984C>T, p.Ala2995Val (NM_201381.3); c.9080C>T, p.Ala3027Val (NM_201382.4); c.9092C>T, p.Ala3031Val (NM_201383.3); short protein forms A2995V, A3005V, A3027V, A3164V, A3013V, A3031V, A3054V.
Identifiers: ClinVar variation 572225 (VCV000572225.9), dbSNP rs368619368, ClinGen allele CA4925081.

ClinVar aggregate classification (germline): Uncertain significance. Review status: criteria provided, multiple submitters, no conflicts (2 of 4 stars). 2 submissions from 2 submitters: Uncertain significance (2). Last evaluated 2025-12-08.

Conditions:
PLEC-related disorder. Also called: PLEC-related disorders; PLEC-related condition.
Epidermolysis bullosa simplex 5C, with pyloric atresia (EBS5C). Also called: PLEC-Related Epidermolysis Bullosa with Pyloric Atresia; PLEC1-Related Epidermolysis Bullosa with Pyloric Atresia; Epidermolysis bullosa simplex with pyloric atresia. Identifiers: Orphanet 158684, MedGen C2677349, MONDO:0012807, OMIM 612138.
Epidermolysis bullosa simplex, Ogna type (EBS5A). Also called: Pidermolysis bullosa simplex 5A, Ogna type; EPIDERMOLYSIS BULLOSA SIMPLEX 5A, OGNA TYPE. Identifiers: Orphanet 79401, MedGen C0432317, MONDO:0007555, OMIM 131950.
Epidermolysis bullosa simplex 5B, with muscular dystrophy (EBS5B). Also called: Epidermolysis bullosa simplex with muscular dystrophy; EPIDERMOLYSIS BULLOSA SIMPLEX AND LIMB-GIRDLE MUSCULAR DYSTROPHY. Identifiers: Orphanet 257, MedGen C2931072, MONDO:0009181, OMIM 226670.
Epidermolysis bullosa simplex with nail dystrophy (EBS5D). Identifiers: MedGen C4225309, MONDO:0014661, OMIM 616487.
Autosomal recessive limb-girdle muscular dystrophy type 2Q (LGMDR17). Also called: MUSCULAR DYSTROPHY, LIMB-GIRDLE, AUTOSOMAL RECESSIVE 17. Identifiers: Orphanet 254361, MedGen C3150989, MONDO:0013390, OMIM 613723.

Allele frequency attached by ClinVar (database versions not stated): gnomAD exomes 0.00007 and 0.00008; 1000 Genomes Project 30x 0.00016; ESP Exome Variant Server 0.00016; gnomAD 0.00009; TOPMed 0.00011; ExAC 0.00012.
gnomAD v4.1: 116 of 1,604,706 alleles (0.0072%); highest among the groups gnomAD compares: Middle Eastern, 0.066%; no homozygotes.

Submissions (2):

PreventionGenetics, part of Exact Sciences
Classification: Uncertain significance for PLEC-related condition. Last evaluated: 2025-12-08. Review status: criteria provided, single submitter. Criteria: ACMG Guidelines, 2015. Collection method: clinical testing. Allele origin: germline.
Comment: The PLEC c.9161C>T variant is predicted to result in the amino acid substitution p.Ala3054Val. To our knowledge, this variant has not been reported in the literature. This variant is reported in 0.020% of alleles in individuals of South Asian descent in gnomAD. At this time, the clinical significance of this variant is uncertain due to the absence of conclusive functional and genetic evidence.

Labcorp Genetics (formerly Invitae), Labcorp
Classification: Uncertain significance for Autosomal recessive limb-girdle muscular dystrophy type 2Q; Epidermolysis bullosa simplex, Ogna type; Epidermolysis bullosa simplex with nail dystrophy; Epidermolysis bullosa simplex 5C, with pyloric atresia; Epidermolysis bullosa simplex 5B, with muscular dystrophy. Last evaluated: 2025-08-28. Review status: criteria provided, single submitter. Criteria: Invitae Variant Classification Sherloc (09022015). Collection method: clinical testing. Allele origin: germline.
Comment: This sequence change replaces alanine, which is neutral and non-polar, with valine, which is neutral and non-polar, at codon 3054 of the PLEC protein (p.Ala3054Val). This variant is present in population databases (rs368619368, gnomAD 0.02%). This variant has not been reported in the literature in individuals affected with PLEC-related conditions. ClinVar contains an entry for this variant (Variation ID: 572225). Invitae Evidence Modeling of protein sequence and biophysical properties (such as structural, functional, and spatial information, amino acid conservation, physicochemical variation, residue mobility, and thermodynamic stability) has been performed for this missense variant. However, the output from this modeling did not meet the statistical confidence thresholds required to predict the impact of this variant on PLEC protein function. In summary, the available evidence is currently insufficient to determine the role of this variant in disease. Therefore, it has been classified as a Variant of Uncertain Significance.